The following is an entry in ClinVar:

NM_022489.4(INF2):c.1824C>G (p.Phe608Leu)

Gene: INF2 (inverted formin 2; plus strand). Cytogenetic location: 14q32.33.
Variant type: single nucleotide variant.
Coding change: c.1824C>G on transcript NM_022489.4 (MANE Select); coding-DNA position 1824, C replaced by G.
Protein change: p.Phe608Leu; replaces phenylalanine 608 with leucine.
Molecular consequence: missense variant.
Genome position (GRCh38, 1-based): chr14:104,708,524, C>G. VCF-style: chr14-104708524-C-G. GRCh37 (hg19) VCF-style: chr14-105174861-C-G.
Other names: c.1824C>G, p.Phe608Leu (NM_001031714.4); short protein forms F608L.
Identifiers: ClinVar variation 1780807 (VCV001780807.7), dbSNP rs897894309, ClinGen allele CA267324203.

ClinVar aggregate classification (germline): Uncertain significance. Review status: criteria provided, multiple submitters, no conflicts (2 of 4 stars). 2 submissions from 2 submitters: Uncertain significance (2). Last evaluated 2022-02-08.

Conditions:
Focal segmental glomerulosclerosis 5 (FSGS5). Identifiers: Orphanet 656, MedGen C2750475, MONDO:0013191, OMIM 613237.
Charcot-Marie-Tooth disease dominant intermediate E. Also called: CHARCOT-MARIE-TOOTH NEUROPATHY WITH FOCAL SEGMENTAL GLOMERULONEPHRITIS. Identifiers: Orphanet 93114, MedGen C4302667, MONDO:0013758, OMIM 614455.
Inborn genetic diseases. Identifiers: MedGen C0950123, MeSH D030342.

Allele frequency attached by ClinVar (database versions not stated): gnomAD 0.00002; TOPMed 0.00002.
gnomAD v4.1: 4 of 1,612,406 alleles (0.00025%); highest among the groups gnomAD compares: African/African-American, 0.0053%; no homozygotes.

Submissions (2):

Labcorp Genetics (formerly Invitae), Labcorp
Classification: Uncertain significance for Charcot-Marie-Tooth disease dominant intermediate E; Focal segmental glomerulosclerosis 5. Last evaluated: 2022-02-08. Review status: criteria provided, single submitter. Criteria: Invitae Variant Classification Sherloc (09022015). Collection method: clinical testing. Allele origin: germline.
Comment: In summary, the available evidence is currently insufficient to determine the role of this variant in disease. Therefore, it has been classified as a Variant of Uncertain Significance. Algorithms developed to predict the effect of missense changes on protein structure and function output the following: SIFT: "Tolerated"; PolyPhen-2: "Not Available"; Align-GVGD: "Class C0". The leucine amino acid residue is found in multiple mammalian species, which suggests that this missense change does not adversely affect protein function. This variant has not been reported in the literature in individuals affected with INF2-related conditions. This variant is present in population databases (no rsID available, gnomAD 0.01%). This sequence change replaces phenylalanine, which is neutral and non-polar, with leucine, which is neutral and non-polar, at codon 608 of the INF2 protein (p.Phe608Leu).

Ambry Genetics
Classification: Uncertain significance for Inborn genetic diseases. Last evaluated: 2021-06-10. Review status: criteria provided, single submitter. Criteria: Ambry Variant Classification Scheme 2023. Collection method: clinical testing. Allele origin: germline.
Comment: The p.F608L variant (also known as c.1824C>G), located in coding exon 8 of the INF2 gene, results from a C to G substitution at nucleotide position 1824. The phenylalanine at codon 608 is replaced by leucine, an amino acid with highly similar properties. This amino acid position is not well conserved in available vertebrate species, and leucine is the reference amino acid in other vertebrate species. In addition, this alteration is predicted to be tolerated by in silico analysis. Since supporting evidence is limited at this time, the clinical significance of this alteration remains unclear.